The following is an entry in ClinVar:

NM_000038.6(APC):c.645+8A>C

Gene: APC (APC regulator of Wnt signaling pathway; plus strand). Cytogenetic location: 5q22.2.
Variant type: single nucleotide variant.
Coding change: c.645+8A>C on transcript NM_000038.6 (MANE Select); 8 bases into the intron after coding-DNA position 645, A replaced by C.
Molecular consequence: intron variant.
Genome position (GRCh38, 1-based): chr5:112,780,911, A>C. VCF-style: chr5-112780911-A-C. GRCh37 (hg19) VCF-style: chr5-112116608-A-C.
Other names: c.645+8A>C (NM_001354895.2, NM_001127510.3, NM_001354896.2 and 2 more transcripts); c.675+8A>C (NM_001354897.2, NM_001354902.2, NM_001127511.3); c.570+8A>C (NM_001354898.2, NM_001354904.2); c.-391+8A>C (NM_001354906.2); c.468+8A>C (NM_001354900.2, NM_001354901.2, NM_001354905.2).
Identifiers: ClinVar variation 1137468 (VCV001137468.11), dbSNP rs1758262873, ClinGen allele CA2499217412.

ClinVar aggregate classification (germline): Likely benign. Review status: criteria provided, multiple submitters, no conflicts (2 of 4 stars). 2 submissions from 2 submitters: Likely benign (2). Last evaluated 2025-12-03.

Conditions:
Familial adenomatous polyposis 1 (FAP1). Also called: FAMILIAL ADENOMATOUS POLYPOSIS 1, ATTENUATED; POLYPOSIS, ADENOMATOUS INTESTINAL. Identifiers: MedGen C2713442, MONDO:0021056, OMIM 175100. Disease mechanism: loss of function.

Submissions (2):

Labcorp Genetics (formerly Invitae), Labcorp
Classification: Likely benign for Familial adenomatous polyposis 1. Last evaluated: 2025-12-03. Review status: criteria provided, single submitter. Criteria: Invitae Variant Classification Sherloc (09022015). Collection method: clinical testing. Allele origin: germline.

Myriad Genetics, Inc.
Classification: Likely benign for Familial adenomatous polyposis 1. Last evaluated: 2024-02-26. Review status: criteria provided, single submitter. Criteria: Myriad Autosomal Dominant, Autosomal Recessive and X-Linked Classification Criteria (2023). Collection method: clinical testing. Allele origin: unknown.
Comment: This variant is considered likely benign. This variant is intronic and is not expected to impact mRNA splicing.